The following is an entry in ClinVar:

NM_004260.4(RECQL4):c.1519G>C (p.Gly507Arg)

Gene: RECQL4 (RecQ like helicase 4; minus strand). Cytogenetic location: 8q24.3.
Variant type: single nucleotide variant.
Coding change: c.1519G>C on transcript NM_004260.4 (MANE Select); coding-DNA position 1519, G replaced by C.
Protein change: p.Gly507Arg; replaces glycine 507 with arginine.
Molecular consequence: missense variant. On other transcripts: non-coding transcript variant (3).
Genome position (GRCh38, 1-based): chr8:144,515,037, C>G on the plus strand (G>C on the coding strand, the complement: RECQL4 is on the minus strand). VCF-style: chr8-144515037-C-G. GRCh37 (hg19) VCF-style: chr8-145740421-C-G.
Other names: c.1519G>C, p.Gly507Arg (NM_001413033.1, NM_001413036.1, NM_001413018.1 and 1 more transcripts); c.448G>C, p.Gly150Arg (NM_001413034.1, NM_001413035.1, NM_001413037.1 and 7 more transcripts); c.1489G>C, p.Gly497Arg (NM_001413039.1); c.382G>C, p.Gly128Arg (NM_001413041.1, NM_001413027.1, NM_001413030.1 and 2 more transcripts); c.418G>C, p.Gly140Arg (NM_001413042.1); c.52G>C, p.Gly18Arg (NM_001413043.1); c.1423G>C, p.Gly475Arg (NM_001413017.1, NM_001413020.1); c.1390G>C, p.Gly464Arg (NM_001413025.1); and 1 more; short protein forms G128R, G140R, G150R, G18R, G390R, G464R, G475R, G497R.
Identifiers: ClinVar variation 4863165 (VCV004863165.1).

ClinVar aggregate classification (germline): Uncertain significance (1 of 4 stars; one submission).

Conditions:
Inborn genetic diseases. Identifiers: MedGen C0950123, MeSH D030342.

Submission:

Ambry Genetics
Classification: Uncertain significance for Inborn genetic diseases. Last evaluated: 2026-04-12. Review status: criteria provided, single submitter. Criteria: Ambry Variant Classification Scheme 2023. Collection method: clinical testing. Allele origin: germline.
Comment: The p.G507R variant (also known as c.1519G>C), located in coding exon 9 of the RECQL4 gene, results from a G to C substitution at nucleotide position 1519. The glycine at codon 507 is replaced by arginine, an amino acid with dissimilar properties. This amino acid position is conserved. In addition, this alteration is predicted to be deleterious by in silico analysis. Based on the available evidence, the clinical significance of this variant remains unclear.